The following is an entry in ClinVar:

ClinVar aggregate classification (germline): Pathogenic (1 of 4 stars; one submission).

Conditions:
Fanconi anemia complementation group J. Also called: BRIP1-Related Fanconi Anemia. Identifiers: Orphanet 84, MedGen C1836860, MONDO:0012187, OMIM 609054.
Familial cancer of breast. Also called: BREAST CANCER, FAMILIAL; Hereditary breast cancer; hereditary breast carcinoma. Identifiers: Orphanet 227535, MedGen C0346153, MONDO:0016419, OMIM 114480. Disease mechanism: loss of function.

Submission:

Labcorp Genetics (formerly Invitae), Labcorp
Classification: Pathogenic for Familial cancer of breast; Fanconi anemia complementation group J. Last evaluated: 2024-02-15. Review status: criteria provided, single submitter. Criteria: Invitae Variant Classification Sherloc (09022015). Collection method: clinical testing. Allele origin: germline.
Comment: This sequence change creates a premature translational stop signal (p.Ile843Phefs*2) in the BRIP1 gene. It is expected to result in an absent or disrupted protein product. Loss-of-function variants in BRIP1 are known to be pathogenic (PMID: 16116423, 17033622, 21964575). This variant is not present in population databases (gnomAD no frequency). This variant has not been reported in the literature in individuals affected with BRIP1-related conditions. RNA analysis performed to evaluate the impact of this premature translational stop signal on mRNA splicing indicates it does not significantly alter splicing (Invitae). For these reasons, this variant has been classified as Pathogenic.

Literature cited by the submitters: PubMed 16116423; PubMed 17033622; PubMed 21964575.

NM_032043.3(BRIP1):c.2523del (p.Ile843fs)

Gene: BRIP1 (BRCA1 interacting DNA helicase 1; minus strand). Cytogenetic location: 17q23.2.
Variant type: Deletion.
Coding change: c.2523del on transcript NM_032043.3 (MANE Select); coding-DNA position 2523, one base deleted (T; older notation c.2523delT).
Protein change: p.Ile843fs; shifts the reading frame from isoleucine 843.
Molecular consequence: frameshift variant.
Genome position (GRCh38, 1-based): chr17:61,693,482, A deleted on the plus strand (T on the coding strand, the reverse complement: BRIP1 is on the minus strand). VCF-style (leftmost placement, unchanged base first): chr17-61693481-GA-G. GRCh37 (hg19) VCF-style: chr17-59770842-GA-G.
Other names: short protein forms I843fs.
Identifiers: ClinVar variation 3754673 (VCV003754673.2).